The following is an entry in ClinVar:

NM_000548.5(TSC2):c.82C>A (p.Pro28Thr)

Gene: TSC2 (TSC complex subunit 2; plus strand). Cytogenetic location: 16p13.3.
Variant type: single nucleotide variant.
Coding change: c.82C>A on transcript NM_000548.5 (MANE Select); coding-DNA position 82, C replaced by A.
Protein change: p.Pro28Thr; replaces proline 28 with threonine.
Molecular consequence: missense variant. On other transcripts: 5 prime UTR variant (1), intron variant (1).
Genome position (GRCh38, 1-based): chr16:2,048,697, C>A. VCF-style: chr16-2048697-C-A. GRCh37 (hg19) VCF-style: chr16-2098698-C-A.
Other names: c.82C>A, p.Pro28Thr (NM_001077183.3, NM_001114382.3, NM_001318827.2 and 4 more transcripts); c.-145C>A (NM_001318831.2); c.115C>A, p.Pro39Thr (NM_001318832.2); c.-10+632C>A (NM_001318829.2); short protein forms P28T, P39T.
Identifiers: ClinVar variation 952356 (VCV000952356.9), dbSNP rs200480606, ClinGen allele CA394301311.

ClinVar aggregate classification (germline): Uncertain significance (1 of 4 stars; one submission).

Conditions:
Tuberous sclerosis 2 (TSC2). Identifiers: Orphanet 805, MedGen C1860707, MONDO:0013199, OMIM 613254.

Submission:

Labcorp Genetics (formerly Invitae), Labcorp
Classification: Uncertain significance for Tuberous sclerosis 2. Last evaluated: 2019-05-13. Review status: criteria provided, single submitter. Criteria: Invitae Variant Classification Sherloc (09022015). Collection method: clinical testing. Allele origin: germline.
Comment: This variant has not been reported in the literature in individuals with TSC2-related conditions. Algorithms developed to predict the effect of missense changes on protein structure and function output the following: SIFT: "Tolerated"; PolyPhen-2: "Benign"; Align-GVGD: "Class C0". The threonine amino acid residue is found in multiple mammalian species, suggesting that this missense change does not adversely affect protein function. These predictions have not been confirmed by published functional studies and their clinical significance is uncertain. In summary, the available evidence is currently insufficient to determine the role of this variant in disease. Therefore, it has been classified as a Variant of Uncertain Significance. This sequence change replaces proline with threonine at codon 28 of the TSC2 protein (p.Pro28Thr). The proline residue is weakly conserved and there is a small physicochemical difference between proline and threonine. This variant is not present in population databases (ExAC no frequency).